The following is an entry in ClinVar:

NM_001177316.2(SLC34A3):c.334A>G (p.Asn112Asp)

Gene: SLC34A3 (solute carrier family 34 member 3; plus strand). Cytogenetic location: 9q34.3.
Variant type: single nucleotide variant.
Coding change: c.334A>G on transcript NM_001177316.2 (MANE Select); coding-DNA position 334, A replaced by G.
Protein change: p.Asn112Asp; replaces asparagine 112 with aspartic acid.
Molecular consequence: missense variant.
Genome position (GRCh38, 1-based): chr9:137,232,813, A>G. VCF-style: chr9-137232813-A-G. GRCh37 (hg19) VCF-style: chr9-140127265-A-G.
Other names: c.334A>G, p.Asn112Asp (NM_001177317.2, NM_080877.3); short protein forms N112D.
Identifiers: ClinVar variation 4687697 (VCV004687697.1).

ClinVar aggregate classification (germline): Uncertain significance (1 of 4 stars; one submission).

gnomAD v4.1: 6 of 1,613,124 alleles (0.00037%); highest among the groups gnomAD compares: Admixed American, 0.0017%; no homozygotes.

Submission:

Women's Health and Genetics/Laboratory Corporation of America, LabCorp
Classification: Uncertain significance. Last evaluated: 2025-10-28. Review status: criteria provided, single submitter. Criteria: LabCorp Variant Classification Summary - May 2015. Collection method: clinical testing. Allele origin: germline.
Comment: Variant summary: SLC34A3 c.334A>G (p.Asn112Asp) results in a conservative amino acid change in the encoded protein sequence. Algorithms developed to predict the effect of missense changes on protein structure and function all suggest that this variant is likely to be tolerated. The variant allele was found at a frequency of 8e-06 in 250180 control chromosomes. The available data on variant occurrences in the general population are insufficient to allow any conclusion about variant significance. To our knowledge, no occurrence of c.334A>G in individuals affected with SLC34A3-related conditions and no experimental evidence demonstrating its impact on protein function have been reported. No submitters have cited clinical-significance assessments for this variant to ClinVar. Based on the evidence outlined above, the variant was classified as uncertain significance.